The following is an entry in ClinVar:

ClinVar aggregate classification (germline): Pathogenic (1 of 4 stars; one submission).

Conditions:
Duchenne muscular dystrophy (DMD). Also called: Duchenne Muscular Dystrophy (DMD); MUSCULAR DYSTROPHY, PSEUDOHYPERTROPHIC PROGRESSIVE, DUCHENNE TYPE. Identifiers: Orphanet 98896, MedGen C0013264, MONDO:0010679, OMIM 310200.

Submission:

Labcorp Genetics (formerly Invitae), Labcorp
Classification: Pathogenic for Duchenne muscular dystrophy. Last evaluated: 2019-03-19. Review status: criteria provided, single submitter. Criteria: Invitae Variant Classification Sherloc (09022015). Collection method: clinical testing. Allele origin: germline.
Comment: This variant results in a copy number gain of the genomic region encompassing exons 53-60 of the DMD gene. While the exact position of this variant cannot be determined from this data, sub-genic copy number gains are generally in tandem (PMID: 25640679) and may result in an absent or disrupted protein product. This variant has been observed in individuals affected with Duchenne muscular dystrophy or Becker muscular dystrophy (PMID: 21815800, 29304097). Loss-of-function variants in DMD are known to be pathogenic (PMID: 16770791, 25007885). For these reasons, this variant has been classified as Pathogenic.

Literature cited by the submitters: PubMed 29304097; PubMed 21815800.

NC_000023.11:g.31444471_31679596dup

Gene: DMD (dystrophin; minus strand).
Variant type: Duplication.
Identifiers: ClinVar variation 856953 (VCV000856953.1).